The following is an entry in ClinVar:

ClinVar aggregate classification (germline): Likely pathogenic (1 of 4 stars; one submission).

Conditions:
DiGeorge syndrome. Also called: Catch22; THIRD AND FOURTH PHARYNGEAL POUCH SYNDROME. Identifiers: Orphanet 567, MedGen C0012236, MONDO:0008564, OMIM 188400.

Submission:

Labcorp Genetics (formerly Invitae), Labcorp
Classification: Likely pathogenic for DiGeorge syndrome. Last evaluated: 2023-03-18. Review status: criteria provided, single submitter. Criteria: Invitae Variant Classification Sherloc (09022015). Collection method: clinical testing. Allele origin: unknown.
Comment: In summary, the currently available evidence indicates that the variant is pathogenic, but additional data are needed to prove that conclusively. Therefore, this variant has been classified as Likely Pathogenic. This variant has not been reported in the literature in individuals affected with TBX1-related conditions. This variant results in a copy number gain of the genomic region encompassing exon(s) 3 of the TBX1 gene. While the exact position of this variant cannot be determined from the data, sub-genic copy number gains are generally in tandem (PMID: 25640679). This variant is predicted to be out-of-frame, and may result in an absent or disrupted protein product. Loss-of-function variants in TBX1 are known to be pathogenic (PMID: 25860641, 29500247).

Literature cited by the submitters: PubMed 25640679; PubMed 25860641; PubMed 29500247.

NC_000022.10:g.(?_19748408)_(19748823_?)dup

Gene: TBX1 (T-box transcription factor 1; plus strand). Cytogenetic location: 22q11.21.
Variant type: Duplication.
Identifiers: ClinVar variation 3247027 (VCV003247027.1).